The following is an entry in ClinVar:

ClinVar aggregate classification (germline): Likely pathogenic (1 of 4 stars; one submission).

Allele frequency attached by ClinVar (database versions not stated): gnomAD exomes below 0.00001.
gnomAD v4.1: 1 of 1,612,584 alleles (0.000062%); highest among the groups gnomAD compares: Non-Finnish European, 0.000085%; no homozygotes.

Submission:

Labcorp Genetics (formerly Invitae), Labcorp
Classification: Likely pathogenic. Last evaluated: 2023-10-12. Review status: criteria provided, single submitter. Criteria: Invitae Variant Classification Sherloc (09022015). Collection method: clinical testing. Allele origin: germline.
Comment: This sequence change affects a donor splice site in intron 39 of the COL11A2 gene. It is expected to disrupt RNA splicing. Variants that disrupt the donor or acceptor splice site typically lead to a loss of protein function (PMID: 16199547), and loss-of-function variants in COL11A2 are known to be pathogenic (PMID: 10677296, 21204229). This variant is not present in population databases (gnomAD no frequency). This variant has not been reported in the literature in individuals affected with COL11A2-related conditions. Algorithms developed to predict the effect of sequence changes on RNA splicing suggest that this variant may disrupt the consensus splice site. In summary, the currently available evidence indicates that the variant is pathogenic, but additional data are needed to prove that conclusively. Therefore, this variant has been classified as Likely Pathogenic.

Literature cited by the submitters: PubMed 16199547; PubMed 10677296; PubMed 21204229.

NM_080680.3(COL11A2):c.2898+1G>A

Gene: COL11A2 (collagen type XI alpha 2 chain; minus strand). Cytogenetic location: 6p21.32.
Variant type: single nucleotide variant.
Coding change: c.2898+1G>A on transcript NM_080680.3 (MANE Select); the canonical splice donor site of the intron after coding-DNA position 2898, G replaced by A.
Molecular consequence: splice donor variant.
Genome position (GRCh38, 1-based): chr6:33,172,529, C>T on the plus strand (G>A on the coding strand, the complement: COL11A2 is on the minus strand). VCF-style: chr6-33172529-C-T. GRCh37 (hg19) VCF-style: chr6-33140306-C-T.
Other names: c.1872+1G>A (NM_001424111.1, NM_001424110.1); c.2577+1G>A (NM_080679.3); c.2640+1G>A (NM_080681.3); c.2718+1G>A (NM_001424108.1); c.2052+1G>A (NM_001424109.1); c.852+1G>A (NM_001424112.1).
Identifiers: ClinVar variation 2767810 (VCV002767810.3), dbSNP rs2534890516, ClinGen allele CA363637388.
Genomic context (GRCh38, chr6:33,172,529, plus strand): 5'-TTCCTTTCAGCACCCCAATCCCCAGCTCCCCCACTTCCCCTCTGCCTGGCCCCTCACTGA[C>T]CTTTGTTCCTTCTTTTCCAGCTGTCCCAGGTAGTCCCTGCTCTCCAGGGGGCCCCGGGGG-3'